The following is an entry in ClinVar:

NM_206933.4(USH2A):c.2633G>A (p.Arg878His)

Genes: USH2A (usherin; minus strand), LOC122152296 (Sharpr-MPRA regulatory region 8762; plus strand). Cytogenetic location: 1q41.
Variant type: single nucleotide variant.
Coding change: c.2633G>A on transcript NM_206933.4 (MANE Select); coding-DNA position 2633, G replaced by A.
Protein change: p.Arg878His; replaces arginine 878 with histidine.
Molecular consequence: missense variant.
Genome position (GRCh38, 1-based): chr1:216,246,761, C>T on the plus strand (G>A on the coding strand, the complement: USH2A is on the minus strand). VCF-style: chr1-216246761-C-T. GRCh37 (hg19) VCF-style: chr1-216420103-C-T.
Other names: c.2633G>A, p.Arg878His (NM_007123.6); short protein forms R878H.
Identifiers: ClinVar variation 166515 (VCV000166515.25), dbSNP rs200124505, ClinGen allele CA179582.

ClinVar aggregate classification (germline): Benign. Review status: criteria provided, multiple submitters, no conflicts (2 of 4 stars). 10 submissions from 8 submitters: Benign (9). 1 of the submissions does not count toward it. Last evaluated 2026-02-04.

Conditions:
Retinitis pigmentosa (RP). Identifiers: Orphanet 791, MedGen C0035334, MeSH D012174, MONDO:0019200, OMIM 268000. Inheritance: Autosomal dominant, autosomal recessive and X linked inheritance.
Usher syndrome type 2A. Also called: RETINAL DISEASE IN USHER SYNDROME TYPE IIA, MODIFIER OF; USHER SYNDROME, TYPE IIA. Identifiers: Orphanet 231178, Orphanet 886, MedGen C1848634, MONDO:0010169, OMIM 276901.
Retinitis pigmentosa 39 (RP39). Identifiers: Orphanet 791, MedGen C3151138, MONDO:0013436, OMIM 613809.

Allele frequency attached by ClinVar (database versions not stated): ESP Exome Variant Server 0.00008; gnomAD 0.00011 and 0.00061; TOPMed 0.00019; 1000 Genomes Project 0.00499; 1000 Genomes Project 30x 0.00500.
gnomAD v4.1: 1,513 of 1,614,086 alleles (0.094%); highest among the groups gnomAD compares: South Asian, 1.3%; 20 homozygotes.

Submissions (10):

Labcorp Genetics (formerly Invitae), Labcorp
Classification: Benign. Last evaluated: 2026-02-04. Review status: criteria provided, single submitter. Criteria: Invitae Variant Classification Sherloc (09022015). Collection method: clinical testing. Allele origin: germline.

Genome-Nilou Lab
Classification: Benign for Retinitis pigmentosa 39. Last evaluated: 2023-11-04. Review status: criteria provided, single submitter. Criteria: ACMG Guidelines, 2015. Collection method: clinical testing. Allele origin: germline. Affected: no.

Genome-Nilou Lab
Classification: Benign for Usher syndrome type 2A. Last evaluated: 2023-11-04. Review status: criteria provided, single submitter. Criteria: ACMG Guidelines, 2015. Collection method: clinical testing. Allele origin: germline. Affected: no.

GeneDx
Classification: Benign. Last evaluated: 2020-03-05. Review status: criteria provided, single submitter. Criteria: GeneDx Variant Classification Process June 2021. Collection method: clinical testing. Allele origin: germline. Affected: yes.
Comment: This variant is associated with the following publications: (PMID: 32581362, 25649381)

Mendelics
Classification: Benign for Usher syndrome type 2A. Last evaluated: 2019-05-28. Review status: criteria provided, single submitter. Criteria: Mendelics Assertion Criteria 2017. Collection method: clinical testing. Allele origin: unknown.

Illumina Laboratory Services, Illumina
Classification: Benign for Usher syndrome type 2A. Last evaluated: 2017-04-27. Review status: criteria provided, single submitter. Criteria: ICSL Variant Classification Criteria 13 December 2019. Collection method: clinical testing. Allele origin: germline.
Comment: This variant was observed as part of a predisposition screen in an ostensibly healthy population. A literature search was performed for the gene, cDNA change, and amino acid change (where applicable). Publications were found based on this search. The evidence from the literature, in combination with allele frequency data from public databases where available, was sufficient to rule this variant out of causing disease. Therefore, this variant is classified as benign.

Illumina Laboratory Services, Illumina
Classification: Benign for Retinitis pigmentosa. Last evaluated: 2017-04-27. Review status: criteria provided, single submitter. Criteria: ICSL Variant Classification Criteria 13 December 2019. Collection method: clinical testing. Allele origin: germline.
Comment: the same text as in the submission from Illumina Laboratory Services, Illumina above.

Laboratory for Molecular Medicine, Mass General Brigham Personalized Medicine
Classification: Benign. Last evaluated: 2015-07-01. Review status: criteria provided, single submitter. Criteria: LMM Criteria. Collection method: clinical testing. Allele origin: germline. Observed: 3 variant alleles.
Comment: p.Arg878His in Exon 13 of USH2A: This variant is not expected to have clinical s ignificance because it has been identified in 1.4% (236/16510) of South Asian ch romosomes by the Exome Aggregation Consortium (ExAC. org; dbSNP rs200124505). In addition, the arginine (Arg) residue at position 87 8 is poorly conserved in several species, with many mammals having a histidine ( His) at this position.

Breakthrough Genomics
Classification: Benign. Review status: criteria provided, single submitter. Criteria: ACMG Guidelines, 2015. Collection method: not provided. Allele origin: germline. Inheritance: Autosomal recessive inheritance. Affected: yes.

Natera, Inc.
Classification: Benign for Usher syndrome type 2A. Last evaluated: 2019-12-17. Review status: no assertion criteria provided. Collection method: clinical testing. Allele origin: germline. Not counted in ClinVar's aggregate classification.

Literature cited by the submitters: PubMed 25649381 (cited by Illumina Laboratory Services, Illumina).